The following is an entry in ClinVar:

ClinVar aggregate classification (germline): Uncertain significance (1 of 4 stars; one submission).

Conditions:
Norman-Roberts syndrome (LIS2). Also called: Lissencephaly 2 (Norman-Roberts type). Identifiers: Orphanet 89844, MedGen C0796089, MONDO:0009760, OMIM 257320.
Familial temporal lobe epilepsy 7. Identifiers: Orphanet 101046, MedGen C4225327, MONDO:0014639, OMIM 616436.

Allele frequency attached by ClinVar (database versions not stated): gnomAD exomes below 0.00001.
gnomAD v4.1: 1 of 1,613,768 alleles (0.000062%); highest among the groups gnomAD compares: Non-Finnish European, 0.000085%; no homozygotes.

Submission:

Labcorp Genetics (formerly Invitae), Labcorp
Classification: Uncertain significance for Familial temporal lobe epilepsy 7; Norman-Roberts syndrome. Last evaluated: 2025-07-21. Review status: criteria provided, single submitter. Criteria: Invitae Variant Classification Sherloc (09022015). Collection method: clinical testing. Allele origin: germline.
Comment: This sequence change replaces histidine, which is basic and polar, with tyrosine, which is neutral and polar, at codon 1045 of the RELN protein (p.His1045Tyr). This variant is not present in population databases (gnomAD no frequency). This variant has not been reported in the literature in individuals affected with RELN-related conditions. ClinVar contains an entry for this variant (Variation ID: 475957). Invitae Evidence Modeling of protein sequence and biophysical properties (such as structural, functional, and spatial information, amino acid conservation, physicochemical variation, residue mobility, and thermodynamic stability) indicates that this missense variant is not expected to disrupt RELN protein function with a negative predictive value of 80%. In summary, the available evidence is currently insufficient to determine the role of this variant in disease. Therefore, it has been classified as a Variant of Uncertain Significance.

NM_005045.4(RELN):c.3133C>T (p.His1045Tyr)

Gene: RELN (reelin; minus strand). Cytogenetic location: 7q22.1.
Variant type: single nucleotide variant.
Coding change: c.3133C>T on transcript NM_005045.4 (MANE Select); coding-DNA position 3133, C replaced by T.
Protein change: p.His1045Tyr; replaces histidine 1045 with tyrosine.
Molecular consequence: missense variant.
Genome position (GRCh38, 1-based): chr7:103,604,359, G>A on the plus strand (C>T on the coding strand, the complement: RELN is on the minus strand). VCF-style: chr7-103604359-G-A. GRCh37 (hg19) VCF-style: chr7-103244806-G-A.
Other names: c.3133C>T, p.His1045Tyr (NM_173054.3); short protein forms H1045Y.
Identifiers: ClinVar variation 475957 (VCV000475957.9), dbSNP rs1554389286, ClinGen allele CA368763651.